The following is an entry in ClinVar:

ClinVar aggregate classification (germline): Uncertain significance (1 of 4 stars; one submission).

Conditions:
Inborn genetic diseases. Identifiers: MedGen C0950123, MeSH D030342.

gnomAD v4.1: 8 of 1,564,730 alleles (0.00051%); highest among the groups gnomAD compares: Non-Finnish European, 0.00069%; no homozygotes.

Submission:

Ambry Genetics
Classification: Uncertain significance for Inborn genetic diseases. Last evaluated: 2024-06-18. Review status: criteria provided, single submitter. Criteria: Ambry Variant Classification Scheme 2023. Collection method: clinical testing. Allele origin: germline.
Comment: The p.A298S variant (also known as c.892G>T), located in coding exon 10 of the ERCC2 gene, results from a G to T substitution at nucleotide position 892. The alanine at codon 298 is replaced by serine, an amino acid with similar properties. This amino acid position is conserved. In addition, the in silico prediction for this alteration is inconclusive. Based on the available evidence, the clinical significance of this variant remains unclear.

NM_000400.4(ERCC2):c.892G>T (p.Ala298Ser)

Gene: ERCC2 (ERCC excision repair 2, TFIIH core complex helicase subunit; minus strand). Cytogenetic location: 19q13.32.
Variant type: single nucleotide variant.
Coding change: c.892G>T on transcript NM_000400.4 (MANE Select); coding-DNA position 892, G replaced by T.
Protein change: p.Ala298Ser; replaces alanine 298 with serine.
Molecular consequence: missense variant.
Genome position (GRCh38, 1-based): chr19:45,364,043, C>A on the plus strand (G>T on the coding strand, the complement: ERCC2 is on the minus strand). VCF-style: chr19-45364043-C-A. GRCh37 (hg19) VCF-style: chr19-45867301-C-A.
Other names: c.820G>T, p.Ala274Ser (NM_001130867.2); short protein forms A298S, A274S.
Identifiers: ClinVar variation 3276290 (VCV003276290.1).